The following is an entry in ClinVar:

ClinVar aggregate classification (germline): Uncertain significance. Review status: criteria provided, multiple submitters, no conflicts (2 of 4 stars). 2 submissions from 2 submitters: Uncertain significance (2). Last evaluated 2025-06-27.

Conditions:
Charcot-Marie-Tooth disease dominant intermediate F. Identifiers: Orphanet 352670, MedGen C4749463, MONDO:0014074, OMIM 615185.

Allele frequency attached by ClinVar (database versions not stated): gnomAD exomes below 0.00001; TOPMed below 0.00001; gnomAD 0.00001.
gnomAD v4.1: 4 of 1,598,256 alleles (0.00025%); highest among the groups gnomAD compares: Non-Finnish European, 0.00034%; no homozygotes.

Submissions (2):

Labcorp Genetics (formerly Invitae), Labcorp
Classification: Uncertain significance for Charcot-Marie-Tooth disease dominant intermediate F. Last evaluated: 2025-06-27. Review status: criteria provided, single submitter. Criteria: Invitae Variant Classification Sherloc (09022015). Collection method: clinical testing. Allele origin: germline.
Comment: This sequence change replaces glutamine, which is neutral and polar, with glutamic acid, which is acidic and polar, at codon 6 of the GNB4 protein (p.Gln6Glu). This variant is present in population databases (no rsID available, gnomAD 0.0009%). This variant has not been reported in the literature in individuals affected with GNB4-related conditions. ClinVar contains an entry for this variant (Variation ID: 578762). Invitae Evidence Modeling of protein sequence and biophysical properties (such as structural, functional, and spatial information, amino acid conservation, physicochemical variation, residue mobility, and thermodynamic stability) indicates that this missense variant is not expected to disrupt GNB4 protein function with a negative predictive value of 95%. In summary, the available evidence is currently insufficient to determine the role of this variant in disease. Therefore, it has been classified as a Variant of Uncertain Significance.

GeneDx
Classification: Uncertain significance. Last evaluated: 2022-01-03. Review status: criteria provided, single submitter. Criteria: GeneDx Variant Classification Process June 2021. Collection method: clinical testing. Allele origin: germline. Affected: yes.
Comment: Has not been previously published as pathogenic or benign to our knowledge; Not observed at significant frequency in large population cohorts (gnomAD); In silico analysis supports that this missense variant does not alter protein structure/function

NM_021629.4(GNB4):c.16C>G (p.Gln6Glu)

Gene: GNB4 (G protein subunit beta 4; minus strand). Cytogenetic location: 3q26.33.
Variant type: single nucleotide variant.
Coding change: c.16C>G on transcript NM_021629.4 (MANE Select); coding-DNA position 16, C replaced by G.
Protein change: p.Gln6Glu; replaces glutamine 6 with glutamic acid.
Molecular consequence: missense variant.
Genome position (GRCh38, 1-based): chr3:179,426,185, G>C on the plus strand (C>G on the coding strand, the complement: GNB4 is on the minus strand). VCF-style: chr3-179426185-G-C. GRCh37 (hg19) VCF-style: chr3-179143973-G-C.
Other names: short protein forms Q6E.
Identifiers: ClinVar variation 578762 (VCV000578762.12), dbSNP rs1163990709, ClinGen allele CA355471406.